The following is an entry in ClinVar:

ClinVar aggregate classification (germline): Uncertain significance (1 of 4 stars; one submission).

Allele frequency attached by ClinVar (database versions not stated): gnomAD exomes 0.00001; 1000 Genomes Project 30x 0.00016; gnomAD 0.00001.
gnomAD v4.1: 13 of 1,613,970 alleles (0.00081%); highest among the groups gnomAD compares: South Asian, 0.013%; no homozygotes.

Submission:

Labcorp Genetics (formerly Invitae), Labcorp
Classification: Uncertain significance. Last evaluated: 2023-08-17. Review status: criteria provided, single submitter. Criteria: Invitae Variant Classification Sherloc (09022015). Collection method: clinical testing. Allele origin: germline.
Comment: In summary, the available evidence is currently insufficient to determine the role of this variant in disease. Therefore, it has been classified as a Variant of Uncertain Significance. This sequence change replaces serine, which is neutral and polar, with arginine, which is basic and polar, at codon 653 of the SETD5 protein (p.Ser653Arg). This variant is present in population databases (no rsID available, gnomAD 0.003%). This variant has not been reported in the literature in individuals affected with SETD5-related conditions. Advanced modeling of protein sequence and biophysical properties (such as structural, functional, and spatial information, amino acid conservation, physicochemical variation, residue mobility, and thermodynamic stability) has been performed at Invitae for this missense variant, however the output from this modeling did not meet the statistical confidence thresholds required to predict the impact of this variant on SETD5 protein function.

NM_001080517.3(SETD5):c.1959T>A (p.Ser653Arg)

Gene: SETD5 (SET domain containing 5; plus strand). Cytogenetic location: 3p25.3.
Variant type: single nucleotide variant.
Coding change: c.1959T>A on transcript NM_001080517.3 (MANE Select); coding-DNA position 1959, T replaced by A.
Protein change: p.Ser653Arg; replaces serine 653 with arginine.
Molecular consequence: missense variant.
Genome position (GRCh38, 1-based): chr3:9,447,862, T>A. VCF-style: chr3-9447862-T-A. GRCh37 (hg19) VCF-style: chr3-9489546-T-A.
Other names: c.1665T>A, p.Ser555Arg (NM_001292043.2, NM_001349451.2); short protein forms S555R, S653R.
Identifiers: ClinVar variation 2846718 (VCV002846718.3), dbSNP rs1288728748, ClinGen allele CA351698719.